The following is an entry in ClinVar:

ClinVar aggregate classification (germline): Uncertain significance (1 of 4 stars; one submission).

Submission:

Labcorp Genetics (formerly Invitae), Labcorp
Classification: Uncertain significance. Last evaluated: 2023-02-08. Review status: criteria provided, single submitter. Criteria: Invitae Variant Classification Sherloc (09022015). Collection method: clinical testing. Allele origin: germline.
Comment: In summary, the available evidence is currently insufficient to determine the role of this variant in disease. Therefore, it has been classified as a Variant of Uncertain Significance. Algorithms developed to predict the effect of missense changes on protein structure and function are either unavailable or do not agree on the potential impact of this missense change (SIFT: "Deleterious"; PolyPhen-2: "Benign"; Align-GVGD: "Class C0"). This variant has not been reported in the literature in individuals affected with SLC16A1-related conditions. This variant is not present in population databases (gnomAD no frequency). This sequence change replaces alanine, which is neutral and non-polar, with threonine, which is neutral and polar, at codon 4 of the SLC16A1 protein (p.Ala4Thr).

NM_003051.4(SLC16A1):c.10G>A (p.Ala4Thr)

Gene: SLC16A1 (solute carrier family 16 member 1; minus strand). Cytogenetic location: 1p13.2.
Variant type: single nucleotide variant.
Coding change: c.10G>A on transcript NM_003051.4 (MANE Select); coding-DNA position 10, G replaced by A.
Protein change: p.Ala4Thr; replaces alanine 4 with threonine.
Molecular consequence: missense variant.
Genome position (GRCh38, 1-based): chr1:112,929,299, C>T on the plus strand (G>A on the coding strand, the complement: SLC16A1 is on the minus strand). VCF-style: chr1-112929299-C-T. GRCh37 (hg19) VCF-style: chr1-113471921-C-T.
Other names: c.10G>A, p.Ala4Thr (NM_001166496.2); short protein forms A4T.
Identifiers: ClinVar variation 2990487 (VCV002990487.3), dbSNP rs2525135382, ClinGen allele CA341826584.
Genomic context (GRCh38, chr1:112,929,299, plus strand): 5'-TTACCACTGCCCAGCCCCAGCCTCCATCTGGGGGGGTGTATCCAACTGGACCTCCAACTG[C>T]TGGTGGCATTTTAAGTGTAGATAAATTCCAAAATGCAGGTCAAATCCAAATATCTGAAAG-3'
Protein context (NP_003042.3, residues 1-14): MPP[Ala4Thr]VGGPVGYTPP